The following is an entry in ClinVar:

NM_001849.4(COL6A2):c.2586dup (p.Leu863fs)

Gene: COL6A2 (collagen type VI alpha 2 chain; plus strand). Cytogenetic location: 21q22.3.
Variant type: Duplication.
Coding change: c.2586dup on transcript NM_001849.4 (MANE Select); coding-DNA position 2586, one base duplicated (G; older notation c.2586dupG).
Protein change: p.Leu863fs; shifts the reading frame from leucine 863.
Molecular consequence: frameshift variant.
Genome position (GRCh38, 1-based): chr21:46,132,078, G duplicated; the last of 2 consecutive G bases (chr21:46,132,077-46,132,078); duplicating either gives the same sequence. VCF-style (leftmost placement, unchanged base first): chr21-46132076-C-CG. GRCh37 (hg19) VCF-style: chr21-47551990-C-CG.
Other names: short protein forms L863fs.
Identifiers: ClinVar variation 1451727 (VCV001451727.8), dbSNP rs2123454751, ClinGen allele CA2573157656.
Genomic context (GRCh38, chr21:46,132,076, plus strand): 5'-GAGCGGCTGGGTGAGCAGAACTTCCACAAGGCCCGGCGCTTCGTGGAGCAGGTGGCGCGG[C>CG]GGCTGACGCTGGCCCGGAGGGACGACGACCCTCTCAACGCACGCGTGGCGCTGCTGCAGT-3'

ClinVar aggregate classification (germline): Pathogenic (1 of 4 stars; one submission).

Conditions:
Bethlem myopathy 1A. Also called: MYOPATHY, BENIGN CONGENITAL, WITH CONTRACTURES; Bethlem Muscular Dystrophy; Bethlem myopathy 1. Identifiers: Orphanet 610, MedGen CN029274, MONDO:0024530, OMIM 158810.

Submission:

Labcorp Genetics (formerly Invitae), Labcorp
Classification: Pathogenic for Bethlem myopathy 1A. Last evaluated: 2024-10-18. Review status: criteria provided, single submitter. Criteria: Invitae Variant Classification Sherloc (09022015). Collection method: clinical testing. Allele origin: germline.
Comment: This sequence change creates a premature translational stop signal (p.Leu863Alafs*130) in the COL6A2 gene. While this is not anticipated to result in nonsense mediated decay, it is expected to disrupt the last 157 amino acid(s) of the COL6A2 protein. This variant is not present in population databases (gnomAD no frequency). This variant has not been reported in the literature in individuals affected with COL6A2-related conditions. ClinVar contains an entry for this variant (Variation ID: 1451727). This variant disrupts a region of the COL6A2 protein in which other variant(s) (p.Tyr1002*) have been determined to be pathogenic (PMID: 29419890). This suggests that this is a clinically significant region of the protein, and that variants that disrupt it are likely to be disease-causing. For these reasons, this variant has been classified as Pathogenic.

Literature cited by the submitters: PubMed 29419890.